The following is an entry in ClinVar:

NM_000213.5(ITGB4):c.3475-5G>A

Gene: ITGB4 (integrin subunit beta 4; plus strand). Cytogenetic location: 17q25.1.
Variant type: single nucleotide variant.
Coding change: c.3475-5G>A on transcript NM_000213.5 (MANE Select); 5 bases into the intron before coding-DNA position 3475, G replaced by A.
Molecular consequence: intron variant.
Genome position (GRCh38, 1-based): chr17:75,750,675, G>A. VCF-style: chr17-75750675-G-A. GRCh37 (hg19) VCF-style: chr17-73746756-G-A.
Other names: c.3475-5G>A (NM_001005619.2, NM_001005731.3, NM_001438834.1 and 1 more transcripts).
Identifiers: ClinVar variation 2060634 (VCV002060634.3), dbSNP rs750146295, ClinGen allele CA8769853.

ClinVar aggregate classification (germline): Uncertain significance. Review status: criteria provided, multiple submitters, no conflicts (2 of 4 stars). 2 submissions from 2 submitters: Uncertain significance (2). Last evaluated 2024-12-02.

Conditions:
Junctional epidermolysis bullosa with pyloric atresia. Also called: Junctional Epidermolysis Bullosa- Pyloric Atresia Syndrome; EB-PA-ACC; Epidermolysis bullosa, junctional, with pyloric atresia and aplasia cutis congenita; Epidermolysis bullosa junctionalis with pyloric atresia; ITGB4-Related Epidermolysis Bullosa with Pyloric Atresia; ITGA6-Related Epidermolysis Bullosa with Pyloric Atresia. Identifiers: Orphanet 79403, MedGen C5676875, MONDO:0009183, OMIM 226730.
Epidermolysis bullosa, junctional 5A, intermediate. Also called: EPIDERMOLYSIS BULLOSA, JUNCTIONAL 5A, GENERALIZED INTERMEDIATE; EPIDERMOLYSIS BULLOSA, JUNCTIONAL 5A, NON-HERLITZ TYPE. Identifiers: MedGen C5676956, MONDO:0030768, OMIM 619816.

Allele frequency attached by ClinVar (database versions not stated): gnomAD 0.00001; ExAC 0.00002; TOPMed 0.00002.
gnomAD v4.1: 11 of 1,612,762 alleles (0.00068%); highest among the groups gnomAD compares: Admixed American, 0.012%; no homozygotes.

Submissions (2):

Labcorp Genetics (formerly Invitae), Labcorp
Classification: Uncertain significance. Last evaluated: 2024-12-02. Review status: criteria provided, single submitter. Criteria: Invitae Variant Classification Sherloc (09022015). Collection method: clinical testing. Allele origin: germline.
Comment: This sequence change falls in intron 28 of the ITGB4 gene. It does not directly change the encoded amino acid sequence of the ITGB4 protein. This variant is present in population databases (rs750146295, gnomAD 0.01%). This variant has not been reported in the literature in individuals affected with ITGB4-related conditions. ClinVar contains an entry for this variant (Variation ID: 2060634). Algorithms developed to predict the effect of sequence changes on RNA splicing suggest that this variant may create or strengthen a splice site. In summary, the available evidence is currently insufficient to determine the role of this variant in disease. Therefore, it has been classified as a Variant of Uncertain Significance.

Fulgent Genetics
Classification: Uncertain significance for Junctional epidermolysis bullosa with pyloric atresia; Epidermolysis bullosa, junctional 5A, intermediate. Last evaluated: 2024-01-27. Review status: criteria provided, single submitter. Criteria: ACMG Guidelines, 2015. Collection method: clinical testing. Allele origin: germline.